The following is an entry in ClinVar:

NM_000368.5(TSC1):c.2515_2518del (p.Glu839fs)

Gene: TSC1 (TSC complex subunit 1; minus strand). Cytogenetic location: 9q34.13.
Variant type: Deletion.
Coding change: c.2515_2518del on transcript NM_000368.5 (MANE Select); coding-DNA positions 2515 to 2518, 4 bases deleted (GAGT; older notation c.2515_2518delGAGT).
Protein change: p.Glu839fs; shifts the reading frame from glutamic acid 839.
Molecular consequence: frameshift variant.
Genome position (GRCh38, 1-based): chr9:132,900,822-132,900,825, ACTC deleted on the plus strand (GAGT on the coding strand, the reverse complement: TSC1 is on the minus strand); deleting any 4 consecutive bases within chr9:132,900,822-132,900,828 gives the same sequence; the c. name uses the placement nearest the transcript's 3' end. VCF-style (leftmost placement, unchanged base first): chr9-132900821-GACTC-G. GRCh37 (hg19) VCF-style: chr9-135776208-GACTC-G.
Other names: c.2512_2515del, p.Glu838fs (NM_001162426.2); c.2362_2365del, p.Glu788fs (NM_001162427.2); c.2152_2155del, p.Glu718fs (NM_001362177.2); c.2515_2518delGAGT (NM_000368.4); short protein forms E788fs, E839fs, E838fs, E718fs.
Identifiers: ClinVar variation 195458 (VCV000195458.14), dbSNP rs794727320, ClinGen allele CA006613.
Genomic context (GRCh38, chr9:132,900,821, plus strand): 5'-TCGTTGACCTCCCCAAGAACCAACAGCTGCCTGTTCAAGAACTCCATCTGCTGCTGGACC[GACTC>G]ACTGTTTGAGAGCTAACCAAAAAACATGAGCAAAGTGAAAAATCCGACGACATAAAACTA-3'

ClinVar aggregate classification (germline): Pathogenic. Review status: criteria provided, multiple submitters, no conflicts (2 of 4 stars). 3 submissions from 3 submitters: Pathogenic (3). Last evaluated 2021-11-07.

Conditions:
Tuberous sclerosis 1 (TSC1). Identifiers: Orphanet 805, MedGen C1854465, MONDO:0008612, OMIM 191100.

Submissions (3):

Genome-Nilou Lab
Classification: Pathogenic for Tuberous sclerosis 1. Last evaluated: 2021-11-07. Review status: criteria provided, single submitter. Criteria: ACMG Guidelines, 2015. Collection method: clinical testing. Allele origin: germline. Affected: no.

Labcorp Genetics (formerly Invitae), Labcorp
Classification: Pathogenic for Tuberous sclerosis 1. Last evaluated: 2017-12-13. Review status: criteria provided, single submitter. Criteria: Invitae Variant Classification Sherloc (09022015). Collection method: clinical testing. Allele origin: germline.
Comment: Loss-of-function variants in TSC1 are known to be pathogenic (PMID: 10227394, 17304050). For these reasons, this variant has been classified as Pathogenic. This variant has been reported in several individuals affected with tuberous sclerosis complex (TSC) in the TSC1 Leiden Open-source Variation Database (PMID: 21520333). ClinVar contains an entry for this variant (Variation ID: 195458). This variant is not present in population databases (ExAC no frequency). This sequence change creates a premature translational stop signal (p.Glu839Argfs*9) in the TSC1 gene. It is expected to result in an absent or disrupted protein product.

Eurofins Ntd Llc (ga)
Classification: Pathogenic. Last evaluated: 2014-10-09. Review status: criteria provided, single submitter. Criteria: EGL Classification Definitions 2015. Collection method: clinical testing. Allele origin: germline. Observed: 1 variant allele, 1 heterozygote.

Literature cited by the submitters: PubMed 10227394 (cited by Labcorp Genetics (formerly Invitae), Labcorp); PubMed 17304050 (cited by Labcorp Genetics (formerly Invitae), Labcorp); PubMed 21520333 (cited by Labcorp Genetics (formerly Invitae), Labcorp).